The following is an entry in ClinVar:

NM_021067.5(GINS1):c.1A>G (p.Met1Val)

Genes: GINS1 (GINS complex subunit 1; plus strand), LOC130065587 (ATAC-STARR-seq lymphoblastoid active region 17669; plus strand). Cytogenetic location: 20p11.21.
Variant type: single nucleotide variant.
Coding change: c.1A>G on transcript NM_021067.5 (MANE Select); coding-DNA position 1, A replaced by G.
Protein change: p.Met1Val; changes the start codon (methionine 1).
Molecular consequence: missense variant, initiator codon variant. On other transcripts: non-coding transcript variant (1).
Genome position (GRCh38, 1-based): chr20:25,407,821, A>G. VCF-style: chr20-25407821-A-G. GRCh37 (hg19) VCF-style: chr20-25388457-A-G.
Other names: c.1A>G, p.Met1Val (NM_001410830.1, NM_001410831.1); short protein forms M1V.
Identifiers: ClinVar variation 2964799 (VCV002964799.3), dbSNP rs566013066, ClinGen allele CA9796365.

ClinVar aggregate classification (germline): Uncertain significance (1 of 4 stars; one submission).

Allele frequency attached by ClinVar (database versions not stated): gnomAD 0.00001; gnomAD exomes 0.00001; ExAC 0.00002; 1000 Genomes Project 0.00020; 1000 Genomes Project 30x 0.00031.

Submission:

Labcorp Genetics (formerly Invitae), Labcorp
Classification: Uncertain significance. Last evaluated: 2024-02-05. Review status: criteria provided, single submitter. Criteria: Invitae Variant Classification Sherloc (09022015). Collection method: clinical testing. Allele origin: germline.
Comment: This sequence change affects the initiator methionine of the GINS1 mRNA. The next in-frame methionine is located at codon 7. This variant is present in population databases (rs566013066, gnomAD 0.005%). This variant has not been reported in the literature in individuals affected with GINS1-related conditions. Experimental studies and prediction algorithms are not available or were not evaluated, and the functional significance of this variant is currently unknown. In summary, the available evidence is currently insufficient to determine the role of this variant in disease. Therefore, it has been classified as a Variant of Uncertain Significance.